The following is an entry in ClinVar:

ClinVar aggregate classification (germline): Pathogenic. Review status: criteria provided, multiple submitters, no conflicts (2 of 4 stars). 2 submissions from 2 submitters: Pathogenic (2). Last evaluated 2025-05-29.

Conditions:
Hereditary spastic paraplegia 4. Also called: Spastic paraplegia 4, autosomal dominant; Familial spastic paraplegia autosomal dominant 2; Spastic Paraplegia 4. Identifiers: Orphanet 100985, MedGen C1866855, MONDO:0008438, OMIM 182601.

gnomAD v4.1: 1 of 1,613,368 alleles (0.000062%); highest among the groups gnomAD compares: Non-Finnish European, 0.000085%; no homozygotes.

Submissions (2):

Labcorp Genetics (formerly Invitae), Labcorp
Classification: Pathogenic for Hereditary spastic paraplegia 4. Last evaluated: 2025-05-29. Review status: criteria provided, single submitter. Criteria: Invitae Variant Classification Sherloc (09022015). Collection method: clinical testing. Allele origin: germline.
Comment: This sequence change creates a premature translational stop signal (p.Tyr51*) in the SPAST gene. It is expected to result in an absent or disrupted protein product. Loss-of-function variants in SPAST are known to be pathogenic (PMID: 20932283). This variant is not present in population databases (gnomAD no frequency). This premature translational stop signal has been observed in individual(s) with hereditary spastic paraplegia (PMID: 20562464). Invitae Evidence Modeling of clinical and family history, age, sex, and reported ancestry of multiple individuals with this SPAST variant has been performed. This variant is expected to be pathogenic with a positive predictive value of at least 99%. This is a validated machine learning model that incorporates the clinical features of 4,195 individuals referred to our laboratory for SPAST testing. ClinVar contains an entry for this variant (Variation ID: 1369382). For these reasons, this variant has been classified as Pathogenic.

3billion
Classification: Pathogenic for Hereditary spastic paraplegia 4. Last evaluated: 2022-05-22. Review status: criteria provided, single submitter. Criteria: ACMG Guidelines, 2015. Collection method: clinical testing. Allele origin: germline. Affected: yes. Observed: 1 heterozygote.
Comment: The variant is not observed in the gnomAD v2.1.1 dataset. Stop-gained (nonsense): predicted to result in a loss or disruption of normal protein function through nonsense-mediated decay (NMD) or protein truncation. Multiple pathogenic variants are reported downstream of the variant. The variant has been reported to be associated with SPAST- related disorder (PMID: 20562464). Therefore, this variant is classified as pathogenic according to the recommendation of ACMG/AMP guideline.

Literature cited by the submitters: PubMed 20932283 (cited by Labcorp Genetics (formerly Invitae), Labcorp); PubMed 20562464 (cited by Labcorp Genetics (formerly Invitae), Labcorp and 3billion).

NM_014946.4(SPAST):c.153C>G (p.Tyr51Ter)

Gene: SPAST (spastin; plus strand). Cytogenetic location: 2p22.3.
Variant type: single nucleotide variant.
Coding change: c.153C>G on transcript NM_014946.4 (MANE Select); coding-DNA position 153, C replaced by G.
Protein change: p.Tyr51Ter; replaces tyrosine 51 with a stop codon.
Molecular consequence: nonsense.
Genome position (GRCh38, 1-based): chr2:32,063,984, C>G. VCF-style: chr2-32063984-C-G. GRCh37 (hg19) VCF-style: chr2-32289053-C-G.
Other names: c.153C>G, p.Tyr51Ter (NM_001363823.2, NM_001363875.2, NM_001377959.1 and 1 more transcripts); short protein forms Y51*.
Identifiers: ClinVar variation 1369382 (VCV001369382.9), dbSNP rs1462628095, ClinGen allele CA346601490.